The following is an entry in ClinVar:

NM_015978.3(TNNI3K):c.323C>T (p.Ala108Val)

Genes: FPGT-TNNI3K (FPGT-TNNI3K readthrough; plus strand), TNNI3K (TNNI3 interacting kinase; plus strand). Cytogenetic location: 1p31.1.
Variant type: single nucleotide variant.
Coding change: c.323C>T on transcript NM_015978.3 (MANE Select); coding-DNA position 323, C replaced by T.
Protein change: p.Ala108Val; replaces alanine 108 with valine.
Molecular consequence: missense variant.
Genome position (GRCh38, 1-based): chr1:74,250,759, C>T. VCF-style: chr1-74250759-C-T. GRCh37 (hg19) VCF-style: chr1-74716443-C-T.
Other names: c.626C>T, p.Ala209Val (NM_001112808.3, NM_001199327.2); short protein forms A108V, A209V.
Identifiers: ClinVar variation 780243 (VCV000780243.16), dbSNP rs140333244, ClinGen allele CA908850.

ClinVar aggregate classification (germline): Benign/Likely benign. Review status: criteria provided, multiple submitters, no conflicts (2 of 4 stars). 6 submissions from 6 submitters: Benign (2); Likely benign (3). 1 of the submissions does not count toward it. Last evaluated 2026-04-01.

Conditions:
TNNI3K-related disorder. Also called: TNNI3K-related condition.

Allele frequency attached by ClinVar (database versions not stated): gnomAD exomes 0.00078; ExAC 0.00105; gnomAD 0.00281 and 0.00303; TOPMed 0.00313; 1000 Genomes Project 0.00339; 1000 Genomes Project 30x 0.00344; ESP Exome Variant Server 0.00369.
gnomAD v4.1: 910 of 1,610,776 alleles (0.056%); highest among the groups gnomAD compares: African/African-American, 1.1%; 6 homozygotes.

Submissions (6):

CeGaT Center for Human Genetics Tuebingen
Classification: Likely benign. Last evaluated: 2026-04-01. Review status: criteria provided, single submitter. Criteria: CeGaT Center For Human Genetics Tuebingen Variant Classification Criteria Version 2. Collection method: clinical testing. Allele origin: germline. Affected: yes. Observed: 1 variant allele.
Comment: TNNI3K: PP3, BS1

Labcorp Genetics (formerly Invitae), Labcorp
Classification: Benign. Last evaluated: 2026-01-27. Review status: criteria provided, single submitter. Criteria: Invitae Variant Classification Sherloc (09022015). Collection method: clinical testing. Allele origin: germline.

Molecular Diagnostic Laboratory for Inherited Cardiovascular Disease, Montreal Heart Institute
Classification: Likely benign. Last evaluated: 2025-04-09. Review status: criteria provided, single submitter. Criteria: ACMG Guidelines, 2015. Collection method: clinical testing. Allele origin: germline. Affected: no.

Blueprint Genetics
Classification: Likely benign. Last evaluated: 2024-08-13. Review status: criteria provided, single submitter. Criteria: ACMG Guidelines, 2015. Collection method: clinical testing. Allele origin: germline.

Breakthrough Genomics
Classification: Benign. Review status: criteria provided, single submitter. Criteria: ACMG Guidelines, 2015. Collection method: not provided. Allele origin: germline. Inheritance: Autosomal dominant inheritance. Affected: yes.

PreventionGenetics, part of Exact Sciences
Classification: Benign for TNNI3K-related condition. Last evaluated: 2019-04-11. Review status: no assertion criteria provided. Collection method: clinical testing. Allele origin: germline. Not counted in ClinVar's aggregate classification.
Comment: This variant is classified as benign based on ACMG/AMP sequence variant interpretation guidelines (Richards et al. 2015 PMID: 25741868, with internal and published modifications).